The following is an entry in ClinVar:

NM_004100.5(EYA4):c.583T>A (p.Leu195Met)

Gene: EYA4 (EYA transcriptional coactivator and phosphatase 4; plus strand). Cytogenetic location: 6q23.2.
Variant type: single nucleotide variant.
Coding change: c.583T>A on transcript NM_004100.5 (MANE Select); coding-DNA position 583, T replaced by A.
Protein change: p.Leu195Met; replaces leucine 195 with methionine.
Molecular consequence: missense variant.
Genome position (GRCh38, 1-based): chr6:133,462,623, T>A. VCF-style: chr6-133462623-T-A. GRCh37 (hg19) VCF-style: chr6-133783761-T-A.
Other names: c.421T>A, p.Leu141Met (NM_001301012.2, NM_001370459.1); c.583T>A, p.Leu195Met (NM_001301013.2, NM_172105.4); c.514T>A, p.Leu172Met (NM_001370458.1, NM_172103.4); short protein forms L141M, L172M, L195M.
Identifiers: ClinVar variation 3511154 (VCV003511154.2).

ClinVar aggregate classification (germline): Uncertain significance. Review status: criteria provided, multiple submitters, no conflicts (2 of 4 stars). 2 submissions from 2 submitters: Uncertain significance (2). Last evaluated 2026-04-14.

Conditions:
Cardiovascular phenotype. Identifiers: MedGen CN230736.

gnomAD v4.1: 2 of 1,614,056 alleles (0.00012%); highest among the groups gnomAD compares: South Asian, 0.0022%; no homozygotes.

Submissions (2):

GeneDx
Classification: Uncertain significance. Last evaluated: 2026-04-14. Review status: criteria provided, single submitter. Criteria: GeneDx Variant Classification Process June 2021. Collection method: clinical testing. Allele origin: germline.
Comment: Not observed at significant frequency in large population cohorts (gnomAD); In silico analysis suggests that this missense variant does not alter protein structure/function; Has not been previously published as pathogenic or benign to our knowledge

Ambry Genetics
Classification: Uncertain significance for Cardiovascular phenotype. Last evaluated: 2024-10-08. Review status: criteria provided, single submitter. Criteria: Ambry Variant Classification Scheme 2023. Collection method: clinical testing. Allele origin: germline.